The following is an entry in ClinVar:

ClinVar aggregate classification (germline): Uncertain significance (1 of 4 stars; one submission).

Allele frequency attached by ClinVar (database versions not stated): gnomAD exomes below 0.00001 and 0.00001; ExAC 0.00001; gnomAD 0.00002; TOPMed 0.00002; ESP Exome Variant Server 0.00008.
gnomAD v4.1: 6 of 1,614,108 alleles (0.00037%); highest among the groups gnomAD compares: African/African-American, 0.0067%; no homozygotes.

Submission:

Labcorp Genetics (formerly Invitae), Labcorp
Classification: Uncertain significance. Last evaluated: 2022-01-16. Review status: criteria provided, single submitter. Criteria: Invitae Variant Classification Sherloc (09022015). Collection method: clinical testing. Allele origin: germline.
Comment: In summary, the available evidence is currently insufficient to determine the role of this variant in disease. Therefore, it has been classified as a Variant of Uncertain Significance. Algorithms developed to predict the effect of missense changes on protein structure and function are either unavailable or do not agree on the potential impact of this missense change (SIFT: "Deleterious"; PolyPhen-2: "Possibly Damaging"; Align-GVGD: "Class C0"). This variant has not been reported in the literature in individuals affected with MCM5-related conditions. This variant is present in population databases (rs372053273, gnomAD 0.01%). This sequence change replaces glutamine, which is neutral and polar, with arginine, which is basic and polar, at codon 225 of the MCM5 protein (p.Gln225Arg).

NM_006739.4(MCM5):c.674A>G (p.Gln225Arg)

Gene: MCM5 (minichromosome maintenance complex component 5; plus strand). Cytogenetic location: 22q12.3.
Variant type: single nucleotide variant.
Coding change: c.674A>G on transcript NM_006739.4 (MANE Select); coding-DNA position 674, A replaced by G.
Protein change: p.Gln225Arg; replaces glutamine 225 with arginine.
Molecular consequence: missense variant.
Genome position (GRCh38, 1-based): chr22:35,408,485, A>G. VCF-style: chr22-35408485-A-G. GRCh37 (hg19) VCF-style: chr22-35804478-A-G.
Other names: short protein forms Q225R.
Identifiers: ClinVar variation 1354381 (VCV001354381.6), dbSNP rs372053273, ClinGen allele CA10205109.